The following is an entry in ClinVar:

ClinVar aggregate classification (germline): Benign. Review status: criteria provided, single submitter (1 of 4 stars). 2 submissions from 2 submitters: Benign (1). 1 of the submissions does not count toward it. Last evaluated 2025-11-01.

Conditions:
DNAH2-related disorder. Also called: DNAH2-related condition.

Allele frequency attached by ClinVar (database versions not stated): 1000 Genomes Project 0.00300; gnomAD 0.00335; 1000 Genomes Project 30x 0.00344; TOPMed 0.00354; ESP Exome Variant Server 0.00392; gnomAD exomes 0.00479; ExAC 0.00510.
gnomAD v4.1: 7,580 of 1,613,636 alleles (0.47%); highest among the groups gnomAD compares: South Asian, 1.3%; 30 homozygotes.

Submissions (5):

CeGaT Center for Human Genetics Tuebingen
Classification: Benign. Last evaluated: 2025-11-01. Review status: criteria provided, single submitter. Criteria: CeGaT Center For Human Genetics Tuebingen Variant Classification Criteria Version 2. Collection method: clinical testing. Allele origin: germline. Affected: yes. Observed: 5 variant alleles.
Comment: DNAH2: BP4, BP7, BS1, BS2

PreventionGenetics, part of Exact Sciences
Classification: Benign for DNAH2-related condition. Last evaluated: 2019-06-05. Review status: no assertion criteria provided. Collection method: clinical testing. Allele origin: germline. Not counted in ClinVar's aggregate classification.
Comment: This variant is classified as benign based on ACMG/AMP sequence variant interpretation guidelines (Richards et al. 2015 PMID: 25741868, with internal and published modifications).

Dr. Peter K. Rogan Lab, Western University
No classification provided (evidence only). Condition: Lung cancer. Review status: no classification provided. Collection method: in vitro. Allele origin: not applicable. Functional consequence: retained intron. Not counted in ClinVar's aggregate classification.

Dr. Peter K. Rogan Lab, Western University
No classification provided (evidence only). Condition: Lung cancer. Review status: no classification provided. Collection method: in vitro. Allele origin: not applicable. Functional consequence: retained intron. Not counted in ClinVar's aggregate classification.

Dr. Peter K. Rogan Lab, Western University
No classification provided (evidence only). Condition: Melanoma. Review status: no classification provided. Collection method: in vitro. Allele origin: not applicable. Functional consequence: retained intron. Not counted in ClinVar's aggregate classification.

NM_020877.5(DNAH2):c.6918C>T (p.Gly2306=)

Gene: DNAH2 (dynein axonemal heavy chain 2; plus strand). Cytogenetic location: 17p13.1.
Variant type: single nucleotide variant.
Coding change: c.6918C>T on transcript NM_020877.5 (MANE Select); coding-DNA position 6918, C replaced by T.
Protein change: p.Gly2306=; no amino-acid change (glycine 2306 retained).
Molecular consequence: synonymous variant.
Genome position (GRCh38, 1-based): chr17:7,791,934, C>T. VCF-style: chr17-7791934-C-T. GRCh37 (hg19) VCF-style: chr17-7695252-C-T.
Other names: NC_000017.10:g.7695252C>T; c.6918C>T (NM_020877.3).
Identifiers: ClinVar variation 2647378 (VCV002647378.26), dbSNP rs147043611, ClinGen allele CA8357920.